The following is an entry in ClinVar:

NM_000532.5(PCCB):c.331C>T (p.Arg111Ter)

Gene: PCCB (propionyl-CoA carboxylase subunit beta; plus strand). Cytogenetic location: 3q22.3.
Variant type: single nucleotide variant.
Coding change: c.331C>T on transcript NM_000532.5 (MANE Select); coding-DNA position 331, C replaced by T.
Protein change: p.Arg111Ter; replaces arginine 111 with a stop codon.
Molecular consequence: nonsense.
Genome position (GRCh38, 1-based): chr3:136,256,582, C>T. VCF-style: chr3-136256582-C-T. GRCh37 (hg19) VCF-style: chr3-135975424-C-T.
Other names: c.331C>T, p.Arg111Ter (NM_001178014.2); short protein forms R111*.
Identifiers: ClinVar variation 553380 (VCV000553380.15), dbSNP rs753981900, ClinGen allele CA2631688.

ClinVar aggregate classification (germline): Pathogenic. Review status: criteria provided, multiple submitters, no conflicts (2 of 4 stars). 6 submissions from 6 submitters: Pathogenic (5). 1 of the submissions does not count toward it. Last evaluated 2025-10-03.

Conditions:
Propionic acidemia (PROP). Also called: GLYCINEMIA, KETOTIC; HYPERGLYCINEMIA WITH KETOACIDOSIS AND LEUKOPENIA; KETOTIC HYPERGLYCINEMIA. Identifiers: Orphanet 35, MedGen C0268579, MONDO:0011628, OMIM 606054, HP:0003571.

Allele frequency attached by ClinVar (database versions not stated): gnomAD exomes 0.00002; TOPMed below 0.00001; gnomAD 0.00001; ExAC 0.00002.
gnomAD v4.1: 24 of 1,612,918 alleles (0.0015%); highest among the groups gnomAD compares: East Asian, 0.0022%; no homozygotes.

Submissions (6):

Labcorp Genetics (formerly Invitae), Labcorp
Classification: Pathogenic for Propionic acidemia. Last evaluated: 2025-10-03. Review status: criteria provided, single submitter. Criteria: Invitae Variant Classification Sherloc (09022015). Collection method: clinical testing. Allele origin: germline.
Comment: This sequence change creates a premature translational stop signal (p.Arg111*) in the PCCB gene. It is expected to result in an absent or disrupted protein product. Loss-of-function variants in PCCB are known to be pathogenic (PMID: 15464417). This variant is present in population databases (rs753981900, gnomAD 0.003%). This premature translational stop signal has been observed in individual(s) with propionic acidemia (PMID: 22334403, 23430860). ClinVar contains an entry for this variant (Variation ID: 553380). For these reasons, this variant has been classified as Pathogenic.

Natera, Inc.
Classification: Pathogenic for Propionic acidemia. Last evaluated: 2025-08-12. Review status: criteria provided, single submitter. Criteria: Natera Variant Classification Schema (03/2026). Collection method: clinical testing. Allele origin: germline.
Comment: The c.331C>T variant in PCCB is a nonsense variant predicted to introduce a stop codon at amino acid 111. This variant is expected to result in nonsense mediated decay, truncation, or a dysfunctional protein product. This variant is rare in the general population with a frequency below the threshold expected for the associated phenotype(s). This variant has been observed in one or more individuals affected with the associated recessive disease, as either homozygous or compound heterozygous with a second variant (PMID: 23430860). Given the available evidence, this variant is classified as Pathogenic.

Dasa
Classification: Pathogenic. Last evaluated: 2025-07-24. Review status: criteria provided, single submitter. Criteria: DASA Assertion Criteria. Collection method: clinical testing. Allele origin: germline.
Comment: NM_000532.5(PCCB):c.331C>T (p.Arg111*) introduces a premature termination codon predicted to result in loss of normal protein function. Loss-of-function is an established mechanism of disease for this gene. This variant has been observed in affected individuals with related phenotype in a genotype context consistent with recessive disease (PMID: 23430860; PMID: 22334403). This variant has been recurrently observed in individuals with related phenotype (PMID: 23430860; PMID: 22334403). The variant is present at low frequency in population datasets. Based on the available data, this variant is classified as pathogenic.

Fulgent Genetics
Classification: Pathogenic for Propionic acidemia. Last evaluated: 2024-02-26. Review status: criteria provided, single submitter. Criteria: ACMG Guidelines, 2015. Collection method: clinical testing. Allele origin: germline.

Baylor Genetics
Classification: Pathogenic for Propionic acidemia. Last evaluated: 2023-12-27. Review status: criteria provided, single submitter. Criteria: ACMG Guidelines, 2015. Collection method: clinical testing. Allele origin: unknown.

Counsyl
Classification: Likely pathogenic for Propionic acidemia. Last evaluated: 2017-08-22. Review status: no assertion criteria provided. Collection method: clinical testing. Allele origin: unknown. Not counted in ClinVar's aggregate classification.

Literature cited by the submitters: PubMed 15464417 (cited by Labcorp Genetics (formerly Invitae), Labcorp); PubMed 22334403 (cited by Labcorp Genetics (formerly Invitae), Labcorp and Dasa); PubMed 23430860 (cited by 4 submitters).